The following is an entry in ClinVar:

NM_021922.3(FANCE):c.1041G>A (p.Trp347Ter)

Gene: FANCE (FA complementation group E; plus strand). Cytogenetic location: 6p21.31.
Variant type: single nucleotide variant.
Coding change: c.1041G>A on transcript NM_021922.3 (MANE Select); coding-DNA position 1041, G replaced by A.
Protein change: p.Trp347Ter; replaces tryptophan 347 with a stop codon.
Molecular consequence: nonsense.
Genome position (GRCh38, 1-based): chr6:35,458,368, G>A. VCF-style: chr6-35458368-G-A. GRCh37 (hg19) VCF-style: chr6-35426145-G-A.
Other names: c.1041G>A, p.Trp347Ter (NM_001410876.1); short protein forms W347*.
Identifiers: ClinVar variation 2800774 (VCV002800774.4), dbSNP rs1767437018, ClinGen allele CA363775170.

ClinVar aggregate classification (germline): Pathogenic/Likely pathogenic. Review status: criteria provided, multiple submitters, no conflicts (2 of 4 stars). 2 submissions from 2 submitters: Pathogenic (1); Likely pathogenic (1). Last evaluated 2025-08-08.

Conditions:
Fanconi anemia complementation group E (FANCE). Also called: FANCE-Related Fanconi Anemia. Identifiers: Orphanet 84, MedGen C3160739, MONDO:0010953, OMIM 600901.

Allele frequency attached by ClinVar (database versions not stated): gnomAD exomes below 0.00001.

Submissions (2):

Laboratorio de Genetica e Diagnostico Molecular, Hospital Israelita Albert Einstein
Classification: Likely pathogenic for Fanconi anemia complementation group E. Last evaluated: 2025-08-08. Review status: criteria provided, single submitter. Criteria: ACMG Guidelines, 2015. Collection method: clinical testing. Allele origin: germline. Affected: yes.
Comment: ACMG classification criteria: PVS1 very strong, PM2 supporting

Labcorp Genetics (formerly Invitae), Labcorp
Classification: Pathogenic for Fanconi anemia complementation group E. Last evaluated: 2023-05-11. Review status: criteria provided, single submitter. Criteria: Invitae Variant Classification Sherloc (09022015). Collection method: clinical testing. Allele origin: germline.
Comment: For these reasons, this variant has been classified as Pathogenic. This variant has not been reported in the literature in individuals affected with FANCE-related conditions. This variant is not present in population databases (gnomAD no frequency). This sequence change creates a premature translational stop signal (p.Trp347*) in the FANCE gene. It is expected to result in an absent or disrupted protein product. Loss-of-function variants in FANCE are known to be pathogenic (PMID: 11001585, 17924555).

Literature cited by the submitters: PubMed 11001585 (cited by Labcorp Genetics (formerly Invitae), Labcorp); PubMed 17924555 (cited by Labcorp Genetics (formerly Invitae), Labcorp).